The following is an entry in ClinVar:

ClinVar aggregate classification (germline): Uncertain significance. Review status: criteria provided, multiple submitters, no conflicts (2 of 4 stars). 3 submissions from 3 submitters: Uncertain significance (3). Last evaluated 2025-02-03.

Conditions:
Inborn genetic diseases. Identifiers: MedGen C0950123, MeSH D030342.
Isolated microphthalmia 5. Also called: Posterior Microphthalmia with Retinitis Pigmentosa, Foveoschisis, and Optic Disc Drusen. Identifiers: Orphanet 251279, MedGen C1970236, MONDO:0012605, OMIM 611040.

Allele frequency attached by ClinVar (database versions not stated): TOPMed 0.00001; gnomAD 0.00002; ExAC 0.00003.
gnomAD v4.1: 43 of 1,613,698 alleles (0.0027%); highest among the groups gnomAD compares: Middle Eastern, 0.049%; 1 homozygote.

Submissions (3):

Labcorp Genetics (formerly Invitae), Labcorp
Classification: Uncertain significance for Isolated microphthalmia 5. Last evaluated: 2025-02-03. Review status: criteria provided, single submitter. Criteria: Invitae Variant Classification Sherloc (09022015). Collection method: clinical testing. Allele origin: germline.
Comment: This sequence change replaces proline, which is neutral and non-polar, with threonine, which is neutral and polar, at codon 96 of the MFRP protein (p.Pro96Thr). This variant is present in population databases (rs776835313, gnomAD 0.01%). This variant has not been reported in the literature in individuals affected with MFRP-related conditions. ClinVar contains an entry for this variant (Variation ID: 943385). Invitae Evidence Modeling of protein sequence and biophysical properties (such as structural, functional, and spatial information, amino acid conservation, physicochemical variation, residue mobility, and thermodynamic stability) indicates that this missense variant is not expected to disrupt MFRP protein function with a negative predictive value of 80%. In summary, the available evidence is currently insufficient to determine the role of this variant in disease. Therefore, it has been classified as a Variant of Uncertain Significance.

Ambry Genetics
Classification: Uncertain significance for Inborn genetic diseases. Last evaluated: 2022-12-27. Review status: criteria provided, single submitter. Criteria: Ambry Variant Classification Scheme 2023. Collection method: clinical testing. Allele origin: germline.

Blueprint Genetics
Classification: Uncertain significance. Last evaluated: 2022-09-21. Review status: criteria provided, single submitter. Criteria: ACMG Guidelines, 2015. Collection method: clinical testing. Allele origin: germline.

NM_031433.4(MFRP):c.286C>A (p.Pro96Thr)

Genes: C1QTNF5 (C1q and TNF related 5; minus strand), MFRP (membrane frizzled-related protein; minus strand). Cytogenetic location: 11q23.3.
Variant type: single nucleotide variant.
Coding change: c.286C>A on transcript NM_031433.4 (MANE Select); coding-DNA position 286, C replaced by A.
Protein change: p.Pro96Thr; replaces proline 96 with threonine.
Molecular consequence: missense variant. On other transcripts: 5 prime UTR variant (1).
Genome position (GRCh38, 1-based): chr11:119,345,914, G>T on the plus strand (C>A on the coding strand, the complement: MFRP is on the minus strand). VCF-style: chr11-119345914-G-T. GRCh37 (hg19) VCF-style: chr11-119216624-G-T.
Other names: c.-2351C>A (NM_015645.5); short protein forms P96T.
Identifiers: ClinVar variation 943385 (VCV000943385.11), dbSNP rs776835313, ClinGen allele CA6320631.